The following is an entry in ClinVar:

ClinVar aggregate classification (germline): Uncertain significance. Review status: criteria provided, multiple submitters, no conflicts (2 of 4 stars). 3 submissions from 3 submitters: Uncertain significance (3). Last evaluated 2024-08-09.

Conditions:
Klippel-Feil anomaly-myopathy-facial dysmorphism syndrome. Also called: Klippel-feil syndrome 4, autosomal recessive, with nemaline myopathy and facial dysmorphism; Klippel-Feil syndrome 4, autosomal recessive, with myopathy and facial dysmorphism. Identifiers: Orphanet 447974, MedGen C4225285, MONDO:0014689, OMIM 616549.

Allele frequency attached by ClinVar (database versions not stated): gnomAD 0.00001 and 0.00003; TOPMed 0.00004; gnomAD exomes 0.00013; 1000 Genomes Project 30x 0.00016; 1000 Genomes Project 0.00020; ExAC 0.00031.
gnomAD v4.1: 142 of 1,597,256 alleles (0.0089%); highest among the groups gnomAD compares: South Asian, 0.067%; no homozygotes.

Submissions (3):

Blueprint Genetics
Classification: Uncertain significance. Last evaluated: 2024-08-09. Review status: criteria provided, single submitter. Criteria: ACMG Guidelines, 2015. Collection method: clinical testing. Allele origin: germline.

Kariminejad - Najmabadi Pathology & Genetics Center
Classification: Uncertain significance for Klippel-Feil anomaly-myopathy-facial dysmorphism syndrome. Last evaluated: 2022-07-28. Review status: criteria provided, single submitter. Criteria: ACMG Guidelines, 2015. Collection method: clinical testing. Allele origin: germline. Inheritance: Autosomal recessive inheritance. Affected: yes.
Comment: PM2

Labcorp Genetics (formerly Invitae), Labcorp
Classification: Uncertain significance. Last evaluated: 2022-02-03. Review status: criteria provided, single submitter. Criteria: Invitae Variant Classification Sherloc (09022015). Collection method: clinical testing. Allele origin: germline.
Comment: This sequence change replaces arginine, which is basic and polar, with tryptophan, which is neutral and slightly polar, at codon 701 of the MYO18B protein (p.Arg701Trp). This variant is present in population databases (rs564168303, gnomAD 0.06%). This variant has not been reported in the literature in individuals affected with MYO18B-related conditions. Algorithms developed to predict the effect of missense changes on protein structure and function are either unavailable or do not agree on the potential impact of this missense change (SIFT: "Not Available"; PolyPhen-2: "Probably Damaging"; Align-GVGD: "Not Available"). In summary, the available evidence is currently insufficient to determine the role of this variant in disease. Therefore, it has been classified as a Variant of Uncertain Significance.

NM_032608.7(MYO18B):c.2101C>T (p.Arg701Trp)

Gene: MYO18B (myosin XVIIIB; plus strand). Cytogenetic location: 22q12.1.
Variant type: single nucleotide variant.
Coding change: c.2101C>T on transcript NM_032608.7 (MANE Select); coding-DNA position 2101, C replaced by T.
Protein change: p.Arg701Trp; replaces arginine 701 with tryptophan.
Molecular consequence: missense variant.
Genome position (GRCh38, 1-based): chr22:25,780,088, C>T. VCF-style: chr22-25780088-C-T. GRCh37 (hg19) VCF-style: chr22-26176055-C-T.
Other names: c.2101C>T, p.Arg701Trp (NM_001318245.2); short protein forms R701W.
Identifiers: ClinVar variation 1515291 (VCV001515291.7), dbSNP rs564168303, ClinGen allele CA10160052.